The following is an entry in ClinVar:

NM_001367721.1(CASK):c.247T>C (p.Ser83Pro)

Gene: CASK (calcium/calmodulin dependent serine protein kinase; minus strand). Cytogenetic location: Xp11.4.
Variant type: single nucleotide variant.
Coding change: c.247T>C on transcript NM_001367721.1 (MANE Select); coding-DNA position 247, T replaced by C.
Protein change: p.Ser83Pro; replaces serine 83 with proline.
Molecular consequence: missense variant.
Genome position (GRCh38, 1-based): chrX:41,787,209, A>G on the plus strand (T>C on the coding strand, the complement: CASK is on the minus strand). VCF-style: chrX-41787209-A-G. GRCh37 (hg19) VCF-style: chrX-41646462-A-G.
Other names: c.247T>C, p.Ser83Pro (NM_001126054.3, NM_001126055.3, NM_001410745.1 and 1 more transcripts); short protein forms S83P.
Identifiers: ClinVar variation 3365302 (VCV003365302.2).

ClinVar aggregate classification (germline): Uncertain significance (1 of 4 stars; one submission).

Submission:

GeneDx
Classification: Uncertain significance. Last evaluated: 2025-12-12. Review status: criteria provided, single submitter. Criteria: GeneDx Variant Classification Process June 2021. Collection method: clinical testing. Allele origin: germline.
Comment: Not observed at significant frequency in large population cohorts (gnomAD); In silico analysis supports that this missense variant has a deleterious effect on protein structure/function; Has not been previously published as pathogenic or benign to our knowledge